The following is an entry in ClinVar:

ClinVar aggregate classification (germline): Uncertain significance. Review status: criteria provided, multiple submitters, no conflicts (2 of 4 stars). 3 submissions from 3 submitters: Uncertain significance (3). Last evaluated 2025-10-21.

Conditions:
Hypertrophic cardiomyopathy 1 (CMH1). Also called: MYH7-Related Familial Hypertrophic Cardiomyopathy; Familial hypertrophic cardiomyopathy 1. Identifiers: MedGen C3495498, MONDO:0008647, OMIM 192600.
Dilated cardiomyopathy 1S (CMD1S). Identifiers: Orphanet 154, Orphanet 54260, MedGen C1834481, MONDO:0013262, OMIM 613426.
Myopathy, myosin storage, autosomal recessive (CMYO7B). Also called: CONGENITAL MYOPATHY 7B, MYOSIN STORAGE, AUTOSOMAL RECESSIVE. Identifiers: Orphanet 636970, MedGen C1850709, MONDO:0009708, OMIM 255160.
MYH7-related skeletal myopathy. Also called: Myopathy, distal, 1; MYOPATHY, DISTAL, EARLY-ONSET, AUTOSOMAL DOMINANT; MYOPATHY, LATE DISTAL HEREDITARY; Laing distal myopathy; Laing early-onset distal myopathy. Identifiers: Orphanet 59135, MedGen C4552004, MONDO:0008050, OMIM 160500.
Myosin storage myopathy (CMYO7A). Also called: SCAPULOPERONEAL MUSCULAR DYSTROPHY; SCAPULOPERONEAL SYNDROME, MYOPATHIC TYPE; MYOPATHY WITH LYSIS OF TYPE I MYOFIBRILS; MYOPATHY, HYALINE BODY, AUTOSOMAL DOMINANT; Scapuloperoneal myopathy, MYH7-related; MYH7-related late-onset scapuloperoneal muscular dystrophy. Identifiers: Orphanet 437572, Orphanet 636965, MedGen C1842160, MONDO:0008409, OMIM 608358.
Congenital myopathy with fiber type disproportion. Also called: Congenital fiber-type disproportion myopathy; Congenital fiber-type disproportion. Identifiers: Orphanet 2020, MedGen C0546264, MONDO:0009711. Inheritance: all.
Hypertrophic cardiomyopathy. Also called: HYPERTROPHIC MYOCARDIOPATHY. Identifiers: Orphanet 217569, MedGen C0007194, MeSH D002312, MONDO:0005045, HP:0001639.
Cardiomyopathy (CMYO). Also called: Cardiomyopathies. Identifiers: Orphanet 167848, MedGen C0878544, MONDO:0004994, HP:0001638. Inheritance: Various modes of inheritance.

Allele frequency attached by ClinVar (database versions not stated): gnomAD exomes below 0.00001.
gnomAD v4.1: 1 of 1,614,282 alleles (0.000062%); highest among the groups gnomAD compares: African/African-American, 0.0013%; no homozygotes.

Submissions (3):

Labcorp Genetics (formerly Invitae), Labcorp
Classification: Uncertain significance for Hypertrophic cardiomyopathy. Last evaluated: 2025-10-21. Review status: criteria provided, single submitter. Criteria: Invitae Variant Classification Sherloc (09022015). Collection method: clinical testing. Allele origin: germline.
Comment: This sequence change replaces threonine, which is neutral and polar, with isoleucine, which is neutral and non-polar, at codon 1891 of the MYH7 protein (p.Thr1891Ile). This variant is not present in population databases (gnomAD no frequency). This variant has not been reported in the literature in individuals affected with MYH7-related conditions. ClinVar contains an entry for this variant (Variation ID: 1435850). Invitae Evidence Modeling of protein sequence and biophysical properties (such as structural, functional, and spatial information, amino acid conservation, physicochemical variation, residue mobility, and thermodynamic stability) indicates that this missense variant is not expected to disrupt MYH7 protein function with a negative predictive value of 95%. In summary, the available evidence is currently insufficient to determine the role of this variant in disease. Therefore, it has been classified as a Variant of Uncertain Significance.

Color Diagnostics, LLC DBA Color Health
Classification: Uncertain significance for Cardiomyopathy. Last evaluated: 2025-06-23. Review status: criteria provided, single submitter. Criteria: ACMG Guidelines, 2015. Collection method: clinical testing. Allele origin: germline.
Comment: This missense variant replaces threonine with isoleucine at codon 1891 of the MYH7 protein. Computational prediction suggests that this variant may not impact protein structure and function. To our knowledge, functional studies have not been reported for this variant. This variant has not been reported in individuals affected with MYH7-related disorders in the literature. This variant has not been identified in the general population by the Genome Aggregation Database (gnomAD). The available evidence is insufficient to determine the role of this variant in disease conclusively. Therefore, this variant is classified as a Variant of Uncertain Significance.

Fulgent Genetics
Classification: Uncertain significance for MYH7-related skeletal myopathy; Myosin storage myopathy; Hypertrophic cardiomyopathy 1; Myopathy, myosin storage, autosomal recessive; Congenital myopathy 4A, autosomal dominant; Dilated cardiomyopathy 1S. Last evaluated: 2021-08-10. Review status: criteria provided, single submitter. Criteria: ACMG Guidelines, 2015. Collection method: clinical testing. Allele origin: unknown.

NM_000257.4(MYH7):c.5672C>T (p.Thr1891Ile)

Gene: MYH7 (myosin heavy chain 7; minus strand). Cytogenetic location: 14q11.2.
Variant type: single nucleotide variant.
Coding change: c.5672C>T on transcript NM_000257.4 (MANE Select); coding-DNA position 5672, C replaced by T.
Protein change: p.Thr1891Ile; replaces threonine 1891 with isoleucine.
Molecular consequence: missense variant.
Genome position (GRCh38, 1-based): chr14:23,413,877, G>A on the plus strand (C>T on the coding strand, the complement: MYH7 is on the minus strand). VCF-style: chr14-23413877-G-A. GRCh37 (hg19) VCF-style: chr14-23883086-G-A.
Other names: short protein forms T1891I.
Identifiers: ClinVar variation 1435850 (VCV001435850.9), dbSNP rs2138635423, ClinGen allele CA389034717.
Genomic context (GRCh38, chr14:23,413,877, plus strand): 5'-TCCGCCCGCTCCTCTGCCTCATCCAGCTCGTGCTGCACCTTGCGGAACTTGGACAGGTTG[G>A]TGTTGGCTTGCTCCTCCTGCGGGAGGTGGGAGCATGAGGTGAGAGGGGGCCTGGGTTCTC-3'
Protein context (NP_000248.2, residues 1881-1901): QAEEAEEQAN[Thr1891Ile]NLSKFRKVQH